The following is an entry in ClinVar:

NM_016592.5(GNAS):c.40C>A (p.Arg14Ser)

Genes: GNAS (GNAS complex locus; plus strand), GNAS-AS1 (GNAS antisense RNA 1; minus strand). Cytogenetic location: 20q13.32.
Variant type: single nucleotide variant.
Coding change: c.40C>A on transcript NM_016592.5 (MANE Plus Clinical); coding-DNA position 40, C replaced by A.
Protein change: p.Arg14Ser; replaces arginine 14 with serine.
Molecular consequence: missense variant. On other transcripts: 5 prime UTR variant (1).
Genome position (GRCh38, 1-based): chr20:58,840,146, C>A. VCF-style: chr20-58840146-C-A. GRCh37 (hg19) VCF-style: chr20-57415201-C-A.
Other names: c.-698C>A (NM_001410912.1); short protein forms R14S.
Identifiers: ClinVar variation 4998509 (VCV004998509.1).

ClinVar aggregate classification (germline): Uncertain significance (1 of 4 stars; one submission).

Conditions:
GNAS-related disorder. Identifiers: MedGen CN380105.

gnomAD v4.1: 2 of 1,611,658 alleles (0.00012%); highest among the groups gnomAD compares: Admixed American, 0.0033%; no homozygotes.

Submission:

PreventionGenetics, part of Exact Sciences
Classification: Uncertain significance for GNAS-related condition. Last evaluated: 2025-02-07. Review status: criteria provided, single submitter. Criteria: ACMG Guidelines, 2015. Collection method: clinical testing. Allele origin: germline.
Comment: The GNAS c.40C>A variant is predicted to result in the amino acid substitution p.Arg14Ser. In the more commonly reported transcript (NM_000516.5), this variant is pre-coding (c.-51581C>A). To our knowledge, this variant has not been reported in the literature. This variant is reported in 0.0087% of alleles in individuals of Latino descent in gnomAD. At this time, the clinical significance of this variant is uncertain due to the absence of conclusive functional and genetic evidence.